The following is an entry in ClinVar:

NM_000038.6(APC):c.372A>G (p.Val124=)

Gene: APC (APC regulator of Wnt signaling pathway; plus strand). Cytogenetic location: 5q22.2.
Variant type: single nucleotide variant.
Coding change: c.372A>G on transcript NM_000038.6 (MANE Select); coding-DNA position 372, A replaced by G.
Protein change: p.Val124=; no amino-acid change (valine 124 retained).
Molecular consequence: synonymous variant. On other transcripts: 5 prime UTR variant (1).
Genome position (GRCh38, 1-based): chr5:112,767,340, A>G. VCF-style: chr5-112767340-A-G. GRCh37 (hg19) VCF-style: chr5-112103037-A-G.
Other names: c.372A>G, p.Val124= (NM_001127510.3, NM_001354895.2, NM_001354896.2 and 2 more transcripts); c.402A>G, p.Val134= (NM_001127511.3, NM_001354897.2, NM_001354902.2); c.297A>G, p.Val99= (NM_001354898.2, NM_001354904.2); c.195A>G, p.Val65= (NM_001354900.2, NM_001354901.2, NM_001354905.2); c.-664A>G (NM_001354906.2).
Identifiers: ClinVar variation 186996 (VCV000186996.24), dbSNP rs749179034, ClinGen allele CA008642.

ClinVar aggregate classification (germline): Benign/Likely benign. Review status: criteria provided, multiple submitters, no conflicts (2 of 4 stars). 9 submissions from 9 submitters: Benign (1); Likely benign (7). 1 of the submissions does not count toward it. Last evaluated 2025-12-08.

Conditions:
APC-related disorder. Also called: APC-related condition.
Classic or attenuated familial adenomatous polyposis. Identifiers: MedGen CN372698, MONDO:0021057.
Hereditary cancer-predisposing syndrome. Also called: Neoplastic Syndromes, Hereditary; Tumor predisposition; Hereditary Cancer Syndrome; Hereditary neoplastic syndrome. Identifiers: Orphanet 140162, MedGen C0027672, MeSH D009386, MONDO:0015356.
Familial adenomatous polyposis 1 (FAP1). Also called: FAMILIAL ADENOMATOUS POLYPOSIS 1, ATTENUATED; POLYPOSIS, ADENOMATOUS INTESTINAL. Identifiers: MedGen C2713442, MONDO:0021056, OMIM 175100. Disease mechanism: loss of function.

Allele frequency attached by ClinVar (database versions not stated): gnomAD exomes below 0.00001 and 0.00001; ExAC 0.00001.
gnomAD v4.1: 7 of 1,614,182 alleles (0.00043%); highest among the groups gnomAD compares: East Asian, 0.011%; no homozygotes.

Submissions (9):

Labcorp Genetics (formerly Invitae), Labcorp
Classification: Likely benign for Familial adenomatous polyposis 1. Last evaluated: 2025-12-08. Review status: criteria provided, single submitter. Criteria: Invitae Variant Classification Sherloc (09022015). Collection method: clinical testing. Allele origin: germline.

Myriad Genetics, Inc.
Classification: Benign for Familial adenomatous polyposis 1. Last evaluated: 2024-02-23. Review status: criteria provided, single submitter. Criteria: Myriad Autosomal Dominant, Autosomal Recessive and X-Linked Classification Criteria (2023). Collection method: clinical testing. Allele origin: unknown.
Comment: This variant is considered benign. This variant is a silent/synonymous amino acid change and it is not expected to impact splicing.

Department of Pathology and Laboratory Medicine, Sinai Health System
Classification: Likely benign for classic or attenuated familial adenomatous polyposis. Last evaluated: 2023-10-11. Review status: criteria provided, single submitter. Criteria: ACMG Guidelines, 2015. Collection method: clinical testing. Allele origin: germline. Affected: yes.

Women's Health and Genetics/Laboratory Corporation of America, LabCorp
Classification: Likely benign. Last evaluated: 2022-04-28. Review status: criteria provided, single submitter. Criteria: LabCorp Variant Classification Summary - May 2015. Collection method: clinical testing. Allele origin: germline.

Quest Diagnostics Nichols Institute San Juan Capistrano
Classification: Likely benign. Last evaluated: 2021-06-06. Review status: criteria provided, single submitter. Criteria: Quest Diagnostics criteria. Collection method: clinical testing. Allele origin: unknown.

GeneDx
Classification: Likely benign. Last evaluated: 2017-11-06. Review status: criteria provided, single submitter. Criteria: GeneDx Variant Classification (06012015). Collection method: clinical testing. Allele origin: germline. Affected: yes.
Comment: This variant is considered likely benign or benign based on one or more of the following criteria: it is a conservative change, it occurs at a poorly conserved position in the protein, it is predicted to be benign by multiple in silico algorithms, and/or has population frequency not consistent with disease.

Color Diagnostics, LLC DBA Color Health
Classification: Likely benign for Hereditary cancer-predisposing syndrome. Last evaluated: 2016-06-16. Review status: criteria provided, single submitter. Criteria: ACMG Guidelines, 2015. Collection method: clinical testing. Allele origin: germline.

Ambry Genetics
Classification: Likely benign for Hereditary cancer-predisposing syndrome. Last evaluated: 2014-11-02. Review status: criteria provided, single submitter. Criteria: Ambry Variant Classification Scheme 2023. Collection method: clinical testing. Allele origin: germline.

PreventionGenetics, part of Exact Sciences
Classification: Likely benign for APC-related condition. Last evaluated: 2021-04-28. Review status: no assertion criteria provided. Collection method: clinical testing. Allele origin: germline. Not counted in ClinVar's aggregate classification.
Comment: This variant is classified as likely benign based on ACMG/AMP sequence variant interpretation guidelines (Richards et al. 2015 PMID: 25741868, with internal and published modifications).